The following is an entry in ClinVar:

ClinVar aggregate classification (germline): Uncertain significance. Review status: criteria provided, multiple submitters, no conflicts (2 of 4 stars). 4 submissions from 4 submitters: Uncertain significance (4). Last evaluated 2026-05-23.

Conditions:
WDPCP-related disorder. Also called: WDPCP-related condition.
Heart defect - tongue hamartoma - polysyndactyly syndrome. Also called: Congenital heart defects, hamartomas of tongue, and polysyndactyly. Identifiers: Orphanet 1338, MedGen C1857587, MONDO:0009008, OMIM 217085.
Bardet-Biedl syndrome 15 (BBS15). Identifiers: Orphanet 110, MedGen C3150127, MONDO:0014443, OMIM 615992.
Bardet-Biedl syndrome (BBS). Identifiers: Orphanet 110, MedGen C0752166, MONDO:0015229.

Submissions (4):

PreventionGenetics, part of Exact Sciences
Classification: Uncertain significance for WDPCP-related condition. Last evaluated: 2026-05-23. Review status: criteria provided, single submitter. Criteria: ACMG Guidelines, 2015. Collection method: clinical testing. Allele origin: germline.
Comment: The WDPCP c.1594_1596delCTT variant is predicted to result in an in-frame deletion (p.Leu532del). This variant has been reported as a variant of uncertain significance in an individual with congenital cataract (Table S3, Rossen et al. 2023. PubMed ID: 36980880). This variant is reported in 0.012% of alleles in individuals of Latino descent in gnomAD. At this time, the clinical significance of this variant is uncertain due to the absence of conclusive functional and genetic evidence.

Labcorp Genetics (formerly Invitae), Labcorp
Classification: Uncertain significance for Bardet-Biedl syndrome. Last evaluated: 2023-07-03. Review status: criteria provided, single submitter. Criteria: Invitae Variant Classification Sherloc (09022015). Collection method: clinical testing. Allele origin: germline.
Comment: This variant has not been reported in the literature in individuals affected with WDPCP-related conditions. In summary, the available evidence is currently insufficient to determine the role of this variant in disease. Therefore, it has been classified as a Variant of Uncertain Significance. Experimental studies and prediction algorithms are not available or were not evaluated, and the functional significance of this variant is currently unknown. ClinVar contains an entry for this variant (Variation ID: 193904). This variant is present in population databases (rs748711953, gnomAD 0.01%). This variant, c.1594_1596del, results in the deletion of 1 amino acid(s) of the WDPCP protein (p.Leu532del), but otherwise preserves the integrity of the reading frame.

Fulgent Genetics
Classification: Uncertain significance for Heart defect - tongue hamartoma - polysyndactyly syndrome; Bardet-Biedl syndrome 15. Last evaluated: 2021-11-18. Review status: criteria provided, single submitter. Criteria: ACMG Guidelines, 2015. Collection method: clinical testing. Allele origin: unknown.

Eurofins Ntd Llc (ga)
Classification: Uncertain significance. Last evaluated: 2014-10-20. Review status: criteria provided, single submitter. Criteria: EGL Classification Definitions 2015. Collection method: clinical testing. Allele origin: germline. Observed: 1 variant allele, 1 heterozygote.

NM_015910.7(WDPCP):c.1591CTT[1] (p.Leu532del)

Gene: WDPCP (WD repeat containing planar cell polarity effector; minus strand). Cytogenetic location: 2p15.
Variant type: Microsatellite.
Coding change: c.1591CTT[1] on transcript NM_015910.7 (MANE Select); one copy of the 3-base unit CTT starting at c.1591; the reference has two copies in a row; one copy, 3 bases deleted; also written c.1594_1596del.
Protein change: p.Leu532del; deletes leucine 532.
Molecular consequence: inframe deletion. On other transcripts: non-coding transcript variant (3).
Genome position (GRCh38, 1-based): chr2:63,381,934-63,381,936, AAG deleted on the plus strand (CTT on the coding strand, the reverse complement: WDPCP is on the minus strand); deleting any 3 consecutive bases within chr2:63,381,934-63,381,940 gives the same sequence; the position shown is the placement nearest the transcript's 3' end. VCF-style (leftmost placement, unchanged base first): chr2-63381933-TAAG-T. GRCh37 (hg19) VCF-style: chr2-63609068-TAAG-T.
Other names: c.1114CTT[1], p.Leu373del (NM_001042692.3); c.1519CTT[1], p.Leu508del (NM_001354044.2); c.1591CTT[1], p.Leu532del (NM_001354045.2); c.1594_1596del (NM_015910.7); c.1594_1596delCTT (NM_015910.5); short protein forms L532del, L373del, L508del.
Identifiers: ClinVar variation 193904 (VCV000193904.15), dbSNP rs748711953, ClinGen allele CA239610.